The following is an entry in ClinVar:

NM_000426.4(LAMA2):c.6283dup (p.Ala2095fs)

Gene: LAMA2 (laminin subunit alpha 2; plus strand). Cytogenetic location: 6q22.33.
Variant type: Duplication.
Coding change: c.6283dup on transcript NM_000426.4 (MANE Select); coding-DNA position 6283, one base duplicated (G; older notation c.6283dupG).
Protein change: p.Ala2095fs; shifts the reading frame from alanine 2095.
Molecular consequence: frameshift variant.
Genome position (GRCh38, 1-based): chr6:129,445,675, G duplicated. VCF-style (leftmost placement, unchanged base first): chr6-129445674-T-TG. GRCh37 (hg19) VCF-style: chr6-129766819-T-TG.
Other names: c.6283dup, p.Ala2095fs (NM_001079823.2); short protein forms A2095fs.
Identifiers: ClinVar variation 937262 (VCV000937262.8), dbSNP rs1782332430, ClinGen allele CA1139659809.
Genomic context (GRCh38, chr6:129,445,674, plus strand): 5'-TGTGTGCACGTGTGTGCATGCATATACATGCACACTAATTTTGTTCTATGCAGTTGCCGA[T>TG]GCAGATGCCACTGTCAAAAATTTAGAACAGGAAGCTGACCGGCTAATAGATAAACTCAAA-3'

ClinVar aggregate classification (germline): Pathogenic (1 of 4 stars; one submission).

Conditions:
LAMA2-related muscular dystrophy (LAMA2-RD). Also called: Laminin alpha 2-related dystrophy. Identifiers: MedGen C5679788, MONDO:0100228.

Submission:

Labcorp Genetics (formerly Invitae), Labcorp
Classification: Pathogenic for LAMA2-related muscular dystrophy. Last evaluated: 2019-10-12. Review status: criteria provided, single submitter. Criteria: Invitae Variant Classification Sherloc (09022015). Collection method: clinical testing. Allele origin: germline.
Comment: For these reasons, this variant has been classified as Pathogenic. Loss-of-function variants in LAMA2 are known to be pathogenic (PMID: 18700894). This variant has not been reported in the literature in individuals with LAMA2-related conditions. This variant is not present in population databases (ExAC no frequency). This sequence change creates a premature translational stop signal (p.Ala2095Glyfs*13) in the LAMA2 gene. It is expected to result in an absent or disrupted protein product.

Literature cited by the submitters: PubMed 18700894.